The following is an entry in ClinVar:

ClinVar aggregate classification (germline): Conflicting classifications of pathogenicity. Review status: criteria provided, conflicting classifications (1 of 4 stars). 13 submissions from 13 submitters: Likely pathogenic (3); Uncertain significance (7); Likely benign (1). 2 of the submissions do not count toward it. Last evaluated 2026-03-13.

Conditions:
ABCC6-related disorder. Also called: ABCC6-related condition.
Pseudoxanthoma elasticum, forme fruste. Also called: PSEUDOXANTHOMA ELASTICUM, HETEROZYGOUS; Pseudoxanthoma Elasticum, Incomplete. Identifiers: Orphanet 758, MedGen C1867450, MONDO:0008333, OMIM 177850.
Autosomal recessive inherited pseudoxanthoma elasticum (PXE). Identifiers: Orphanet 758, MedGen CN032334, MONDO:0009925, OMIM 264800.
Arterial calcification, generalized, of infancy, 2. Identifiers: Orphanet 51608, MedGen C3276161, MONDO:0013768, OMIM 614473.

Allele frequency attached by ClinVar (database versions not stated): gnomAD exomes 0.00054 and 0.00080; ExAC 0.00070; 1000 Genomes Project 0.00120; 1000 Genomes Project 30x 0.00125; gnomAD 0.00191 and 0.00214; TOPMed 0.00200; ESP Exome Variant Server 0.00239.
gnomAD v4.1: 1,125 of 1,613,476 alleles (0.07%); highest among the groups gnomAD compares: African/African-American, 0.57%; 3 homozygotes.

Submissions (13):

GeneDx
Classification: Uncertain significance. Last evaluated: 2026-03-13. Review status: criteria provided, single submitter. Criteria: GeneDx Variant Classification Process June 2021. Collection method: clinical testing. Allele origin: germline.
Comment: In silico analysis suggests that this missense variant does not alter protein structure/function; This variant is associated with the following publications: (PMID: 16086317, 32483926, 34906475, 40532969)

First Genomix Gene Laboratory, Genetic Diagnostics Department
Classification: Likely pathogenic for Arterial calcification, generalized, of infancy, 2; Autosomal recessive inherited pseudoxanthoma elasticum. Last evaluated: 2025-04-14. Review status: criteria provided, single submitter. Criteria: ACMG Guidelines, 2015. Collection method: clinical testing. Allele origin: germline. Inheritance: Autosomal recessive inheritance. Affected: no. Observed: 1 variant allele.

Blueprint Genetics
Classification: Likely benign. Last evaluated: 2024-10-14. Review status: criteria provided, single submitter. Criteria: ACMG Guidelines, 2015. Collection method: clinical testing. Allele origin: germline.

Revvity Omics, Revvity
Classification: Uncertain significance. Last evaluated: 2024-07-26. Review status: criteria provided, single submitter. Criteria: ACMG Guidelines, 2015. Collection method: clinical testing. Allele origin: germline.

Fulgent Genetics
Classification: Uncertain significance for Pseudoxanthoma elasticum, forme fruste; Autosomal recessive inherited pseudoxanthoma elasticum; Arterial calcification, generalized, of infancy, 2. Last evaluated: 2024-06-04. Review status: criteria provided, single submitter. Criteria: ACMG Guidelines, 2015. Collection method: clinical testing. Allele origin: germline.

CeGaT Center for Human Genetics Tuebingen
Classification: Uncertain significance. Last evaluated: 2024-03-01. Review status: criteria provided, single submitter. Criteria: CeGaT Center For Human Genetics Tuebingen Variant Classification Criteria Version 2. Collection method: clinical testing. Allele origin: germline. Affected: yes. Observed: 2 variant alleles.

Mayo Clinic Laboratories, Mayo Clinic
Classification: Uncertain significance. Last evaluated: 2023-10-10. Review status: criteria provided, single submitter. Criteria: ACMG Guidelines, 2015. Collection method: clinical testing. Allele origin: germline. Observed: 2 variant alleles.
Comment: BS1, PM3

Department of Pathology and Laboratory Medicine, Sinai Health System
Classification: Uncertain significance for Arterial calcification, generalized, of infancy, 2; Autosomal recessive inherited pseudoxanthoma elasticum; Pseudoxanthoma elasticum, forme fruste. Last evaluated: 2023-10-03. Review status: criteria provided, single submitter. Criteria: ACMG Guidelines, 2015. Collection method: research. Allele origin: germline.

Greenwood Genetic Center Diagnostic Laboratories, Greenwood Genetic Center
Classification: Likely pathogenic for ABCC6-related disorder. Last evaluated: 2022-08-30. Review status: criteria provided, single submitter. Criteria: ACMG Guidelines, 2015. Collection method: clinical testing. Allele origin: germline. Affected: yes.
Comment: PM2, PM3_Strong

Mendelics
Classification: Likely pathogenic for Autosomal recessive inherited pseudoxanthoma elasticum. Last evaluated: 2019-05-28. Review status: criteria provided, single submitter. Criteria: Mendelics Assertion Criteria 2017. Collection method: clinical testing. Allele origin: unknown.

Eurofins Ntd Llc (ga)
Classification: Uncertain significance. Last evaluated: 2016-01-08. Review status: criteria provided, single submitter. Criteria: EGL Classification Definitions 2015. Collection method: clinical testing. Allele origin: germline. Observed: 5 variant alleles, 1 heterozygote.

PreventionGenetics, part of Exact Sciences
Classification: Uncertain significance for ABCC6-related condition. Last evaluated: 2024-06-04. Review status: no assertion criteria provided. Collection method: clinical testing. Allele origin: germline. Not counted in ClinVar's aggregate classification.
Comment: The ABCC6 c.742C>T variant is predicted to result in the amino acid substitution p.Leu248Phe. This variant has been reported in a family with pseudoxanthoma elasticum (Miksch et al. 2005. PubMed ID: 16086317). This variant has also been reported with uncertain significance in an individual with a retinal disorder (Table S12 in Diñeiro et al. 2020. PubMed ID: 32483926). This variant has been reported in the compound heterozygous state in an individual with an ectopic mineralization disorder (Table S1 in Saeidian et al. 2021. PubMed ID: 34906475). This variant is reported in 0.53% of alleles in individuals of African descent in gnomAD v2 (as displayed in the table above). However, in gnomAD v4 (available only on GRCh38), this variant is reported in 0.57% of alleles in a subpopulation, including 3 homozygotes. This population data is not consistent with this variant being a primary cause of disease. Although we suspect this variant may be benign, at this time, the clinical significance of this variant is uncertain due to the absence of conclusive functional and genetic evidence.

PXE International
Classification: Uncertain significance for Autosomal recessive inherited pseudoxanthoma elasticum. Last evaluated: 2021-03-01. Review status: no assertion criteria provided. Collection method: research. Allele origin: germline. Inheritance: Autosomal recessive inheritance. Affected: yes. Observed: 8 variant alleles. Clinical features observed: Papule (HP:0200034), Angioid streaks (HP:0001102), Skin plaque (HP:0200035), Retinal hemorrhage (HP:0000573), Weak or absent arterial pulse, Angina pectoris (HP:0001681), Abnormal EKG (HP:0003115), Vascular surgery. Not counted in ClinVar's aggregate classification.

Literature cited by the submitters: PubMed 16086317 (cited by Mayo Clinic Laboratories, Mayo Clinic); PubMed 28102862 (cited by Mayo Clinic Laboratories, Mayo Clinic); PubMed 32483926 (cited by Mayo Clinic Laboratories, Mayo Clinic); PubMed 34906475 (cited by Mayo Clinic Laboratories, Mayo Clinic); PubMed 32873932 (cited by PXE International).

NM_001171.6(ABCC6):c.742C>T (p.Leu248Phe)

Gene: ABCC6 (ATP binding cassette subfamily C member 6; minus strand). Cytogenetic location: 16p13.11.
Variant type: single nucleotide variant.
Coding change: c.742C>T on transcript NM_001171.6 (MANE Select); coding-DNA position 742, C replaced by T.
Protein change: p.Leu248Phe; replaces leucine 248 with phenylalanine.
Molecular consequence: missense variant. On other transcripts: non-coding transcript variant (1).
Genome position (GRCh38, 1-based): chr16:16,208,780, G>A on the plus strand (C>T on the coding strand, the complement: ABCC6 is on the minus strand). VCF-style: chr16-16208780-G-A. GRCh37 (hg19) VCF-style: chr16-16302637-G-A.
Other names: p.Leu248Phe; c.400C>T, p.Leu134Phe (NM_001351800.1); short protein forms L248F, L134F.
Identifiers: ClinVar variation 281270 (VCV000281270.42), dbSNP rs72653756, ClinGen allele CA7926582.